The following is an entry in ClinVar:

ClinVar aggregate classification (germline): Conflicting classifications of pathogenicity. Review status: criteria provided, conflicting classifications (1 of 4 stars). 5 submissions from 5 submitters: Uncertain significance (3); Likely benign (1). 1 of the submissions does not count toward it. Last evaluated 2026-01-02.

Conditions:
Hereditary cancer-predisposing syndrome. Also called: Neoplastic Syndromes, Hereditary; Hereditary Cancer Syndrome; Tumor predisposition; Hereditary neoplastic syndrome. Identifiers: Orphanet 140162, MedGen C0027672, MeSH D009386, MONDO:0015356.
Familial cancer of breast. Also called: Hereditary breast cancer; BREAST CANCER, FAMILIAL; hereditary breast carcinoma. Identifiers: Orphanet 227535, MedGen C0346153, MONDO:0016419, OMIM 114480. Disease mechanism: loss of function.
Ataxia-telangiectasia syndrome (AT). Also called: LOUIS-BAR SYNDROME; Cerebello-oculocutaneous telangiectasia; Immunodeficiency with ataxia telangiectasia; Ataxia-telangiectasia, complementation group D; AT, COMPLEMENTATION GROUP C; Ataxia-telangiectasia, complementation group E. Identifiers: Orphanet 100, MedGen C0004135, MONDO:0008840, OMIM 208900.

Allele frequency attached by ClinVar (database versions not stated): TOPMed below 0.00001; gnomAD 0.00001.
gnomAD v4.1: 1 of 1,595,464 alleles (0.000063%); highest among the groups gnomAD compares: Non-Finnish European, 0.000086%; no homozygotes.

Submissions (5):

Ambry Genetics
Classification: Uncertain significance for Hereditary cancer-predisposing syndrome. Last evaluated: 2026-01-02. Review status: criteria provided, single submitter. Criteria: Ambry Variant Classification Scheme 2023. Collection method: clinical testing. Allele origin: germline.
Comment: The c.8672-3T>C intronic variant results from a T to C substitution 3 nucleotides upstream from coding exon 59 in the ATM gene. This nucleotide position is not well conserved in available vertebrate species. In silico splice site analysis predicts that this alteration will not have any significant effect on splicing. Based on the available evidence, the clinical significance of this variant remains unclear.

Quest Diagnostics Nichols Institute San Juan Capistrano
Classification: Uncertain significance. Last evaluated: 2024-09-24. Review status: criteria provided, single submitter. Criteria: Quest Diagnostics criteria. Collection method: clinical testing. Allele origin: unknown.
Comment: The ATM c.8672-3T>C variant has not been reported in individuals with ATM-related conditions in the published literature. It also has not been reported in large, multi-ethnic general populations (Genome Aggregation Database). Analysis of this variant using software algorithms for the prediction of the effect of nucleotide changes on splicing yielded predictions that this variant does not affect ATM mRNA splicing. Based on the available information, we are unable to determine the clinical significance of this variant.

Myriad Genetics, Inc.
Classification: Likely benign for Familial cancer of breast. Last evaluated: 2024-06-20. Review status: criteria provided, single submitter. Criteria: Myriad Autosomal Dominant, Autosomal Recessive and X-Linked Classification Criteria (2023). Collection method: clinical testing. Allele origin: unknown.
Comment: This variant is considered likely benign. This variant is intronic and is not expected to impact mRNA splicing.

Labcorp Genetics (formerly Invitae), Labcorp
Classification: Uncertain significance for Ataxia-telangiectasia syndrome. Last evaluated: 2024-01-25. Review status: criteria provided, single submitter. Criteria: Invitae Variant Classification Sherloc (09022015). Collection method: clinical testing. Allele origin: germline.
Comment: This sequence change falls in intron 59 of the ATM gene. It does not directly change the encoded amino acid sequence of the ATM protein. It affects a nucleotide within the consensus splice site. This variant is not present in population databases (gnomAD no frequency). This variant has not been reported in the literature in individuals affected with ATM-related conditions. ClinVar contains an entry for this variant (Variation ID: 407481). Variants that disrupt the consensus splice site are a relatively common cause of aberrant splicing (PMID: 17576681, 9536098). Algorithms developed to predict the effect of sequence changes on RNA splicing suggest that this variant is not likely to affect RNA splicing. In summary, the available evidence is currently insufficient to determine the role of this variant in disease. Therefore, it has been classified as a Variant of Uncertain Significance.

Natera, Inc.
Classification: Uncertain significance for Ataxia-telangiectasia. Last evaluated: 2021-07-15. Review status: no assertion criteria provided. Collection method: clinical testing. Allele origin: germline. Not counted in ClinVar's aggregate classification.

Literature cited by the submitters: PubMed 17576681 (cited by Labcorp Genetics (formerly Invitae), Labcorp); PubMed 9536098 (cited by Labcorp Genetics (formerly Invitae), Labcorp).

NM_000051.4(ATM):c.8672-3T>C

Genes: C11orf65 (chromosome 11 open reading frame 65; minus strand), ATM (ATM serine/threonine kinase; plus strand). Cytogenetic location: 11q22.3.
Variant type: single nucleotide variant.
Coding change: c.8672-3T>C on transcript NM_000051.4 (MANE Select); 3 bases into the intron before coding-DNA position 8672, T replaced by C.
Molecular consequence: intron variant.
Genome position (GRCh38, 1-based): chr11:108,353,763, T>C. VCF-style: chr11-108353763-T-C. GRCh37 (hg19) VCF-style: chr11-108224490-T-C.
Other names: c.8672-3T>C (NM_001351834.2); c.640+32157A>G (NM_001330368.2); c.695-18471A>G (NM_001351110.2).
Identifiers: ClinVar variation 407481 (VCV000407481.24), dbSNP rs1060501550, ClinGen allele CA16613518.